The following is an entry in ClinVar:

NM_001040142.2(SCN2A):c.2920-265del

Gene: SCN2A (sodium voltage-gated channel alpha subunit 2; plus strand). Cytogenetic location: 2q24.3.
Variant type: Deletion.
Coding change: c.2920-265del on transcript NM_001040142.2 (MANE Select); 265 bases into the intron before coding-DNA position 2920, one base deleted (A; older notation c.2920-265delA).
Molecular consequence: intron variant.
Genome position (GRCh38, 1-based): chr2:165,353,927, A deleted; the last of 2 consecutive A bases (chr2:165,353,926-165,353,927); deleting either gives the same sequence. VCF-style (leftmost placement, unchanged base first): chr2-165353925-GA-G. GRCh37 (hg19) VCF-style: chr2-166210435-GA-G.
Other names: c.2920-265del (NM_001040143.2, NM_001371246.1, NM_001371247.1 and 1 more transcripts).
Identifiers: ClinVar variation 668938 (VCV000668938.1), dbSNP rs201300416, ClinGen allele CA59724751.

ClinVar aggregate classification (germline): Benign (1 of 4 stars; one submission).

Submission:

GeneDx
Classification: Benign. Last evaluated: 2018-06-19. Review status: criteria provided, single submitter. Criteria: GeneDx Variant Classification (06012015). Collection method: clinical testing. Allele origin: germline. Affected: yes.
Comment: This variant is considered likely benign or benign based on one or more of the following criteria: it is a conservative change, it occurs at a poorly conserved position in the protein, it is predicted to be benign by multiple in silico algorithms, and/or has population frequency not consistent with disease.